The following is an entry in ClinVar:

NM_005263.5(GFI1):c.101C>A (p.Ala34Glu)

Gene: GFI1 (growth factor independent 1 transcriptional repressor; minus strand). Cytogenetic location: 1p22.1.
Variant type: single nucleotide variant.
Coding change: c.101C>A on transcript NM_005263.5 (MANE Select); coding-DNA position 101, C replaced by A.
Protein change: p.Ala34Glu; replaces alanine 34 with glutamic acid.
Molecular consequence: missense variant.
Genome position (GRCh38, 1-based): chr1:92,483,387, G>T on the plus strand (C>A on the coding strand, the complement: GFI1 is on the minus strand). VCF-style: chr1-92483387-G-T. GRCh37 (hg19) VCF-style: chr1-92948944-G-T.
Other names: c.101C>A, p.Ala34Glu (NM_001127215.3, NM_001127216.3); short protein forms A34E.
Identifiers: ClinVar variation 4029381 (VCV004029381.1).
Genomic context (GRCh38, chr1:92,483,387, plus strand): 5'-AGGCATCCGGGGGAGCAGCCCCGCCTGGCCCGCGCGCGCCTCGCACCTGCTCGGCTAGGC[G>T]CCGGTACATTCTCTAAACGGAGGGAATAGTCTGGTCCTGGGGAGCGCGGCTGGTGGTAGC-3'
Protein context (NP_005254.2, residues 24-44): DYSLRLENVP[Ala34Glu]PSRADSTSNA

ClinVar aggregate classification (germline): Uncertain significance (1 of 4 stars; one submission).

Submission:

Ambry Genetics
Classification: Uncertain significance. Last evaluated: 2025-04-04. Review status: criteria provided, single submitter. Criteria: Ambry Variant Classification Scheme 2023. Collection method: clinical testing. Allele origin: germline.
Comment: The p.A34E variant (also known as c.101C>A), located in coding exon 1 of the GFI1 gene, results from a C to A substitution at nucleotide position 101. The alanine at codon 34 is replaced by glutamic acid, an amino acid with dissimilar properties. This amino acid position is conserved. In addition, this alteration is predicted to be tolerated by in silico analysis. Based on the available evidence, the clinical significance of this variant remains unclear.